The following is an entry in ClinVar:

NM_000321.3(RB1):c.2497G>A (p.Val833Ile)

Gene: RB1 (RB transcriptional corepressor 1; plus strand). Cytogenetic location: 13q14.2.
Variant type: single nucleotide variant.
Coding change: c.2497G>A on transcript NM_000321.3 (MANE Select); coding-DNA position 2497, G replaced by A.
Protein change: p.Val833Ile; replaces valine 833 with isoleucine.
Molecular consequence: missense variant.
Genome position (GRCh38, 1-based): chr13:48,473,367, G>A. VCF-style: chr13-48473367-G-A. GRCh37 (hg19) VCF-style: chr13-49047503-G-A.
Other names: short protein forms V833I.
Identifiers: ClinVar variation 1353633 (VCV001353633.11), dbSNP rs2138354621, ClinGen allele CA388168117.

ClinVar aggregate classification (germline): Uncertain significance. Review status: criteria provided, multiple submitters, no conflicts (2 of 4 stars). 2 submissions from 2 submitters: Uncertain significance (2). Last evaluated 2025-05-07.

Conditions:
Hereditary cancer-predisposing syndrome. Also called: Neoplastic Syndromes, Hereditary; Tumor predisposition; Hereditary neoplastic syndrome; Hereditary Cancer Syndrome. Identifiers: Orphanet 140162, MedGen C0027672, MeSH D009386, MONDO:0015356.
Retinoblastoma (RB1). Also called: RETINOBLASTOMA, SOMATIC. Identifiers: Orphanet 790, MedGen C0035335, MeSH D012175, MONDO:0008380, OMIM 180200, HP:0009919. Disease mechanism: loss of function. Inheritance: Both sporadic and heritable forms are tested..

Allele frequency attached by ClinVar (database versions not stated): gnomAD exomes below 0.00001.
gnomAD v4.1: 1 of 1,571,698 alleles (0.000064%); highest among the groups gnomAD compares: South Asian, 0.0011%; no homozygotes.

Submissions (2):

Ambry Genetics
Classification: Uncertain significance for Hereditary cancer-predisposing syndrome. Last evaluated: 2025-05-07. Review status: criteria provided, single submitter. Criteria: Ambry Variant Classification Scheme 2023. Collection method: clinical testing. Allele origin: germline.
Comment: The p.V833I variant (also known as c.2497G>A), located in coding exon 24 of the RB1 gene, results from a G to A substitution at nucleotide position 2497. The valine at codon 833 is replaced by isoleucine, an amino acid with highly similar properties. This amino acid position is highly conserved in available vertebrate species. In addition, this alteration is predicted to be tolerated by in silico analysis. Since supporting evidence is limited at this time, the clinical significance of this alteration remains unclear.

Labcorp Genetics (formerly Invitae), Labcorp
Classification: Uncertain significance for Retinoblastoma. Last evaluated: 2025-01-26. Review status: criteria provided, single submitter. Criteria: Invitae Variant Classification Sherloc (09022015). Collection method: clinical testing. Allele origin: germline.
Comment: This sequence change replaces valine, which is neutral and non-polar, with isoleucine, which is neutral and non-polar, at codon 833 of the RB1 protein (p.Val833Ile). This variant is not present in population databases (gnomAD no frequency). This variant has not been reported in the literature in individuals affected with RB1-related conditions. ClinVar contains an entry for this variant (Variation ID: 1353633). Invitae Evidence Modeling of protein sequence and biophysical properties (such as structural, functional, and spatial information, amino acid conservation, physicochemical variation, residue mobility, and thermodynamic stability) indicates that this missense variant is not expected to disrupt RB1 protein function with a negative predictive value of 80%. In summary, the available evidence is currently insufficient to determine the role of this variant in disease. Therefore, it has been classified as a Variant of Uncertain Significance.